The following is an entry in ClinVar:

NM_000218.3(KCNQ1):c.197C>T (p.Ser66Phe)

Gene: KCNQ1 (potassium voltage-gated channel subfamily Q member 1; plus strand). Cytogenetic location: 11p15.5.
Variant type: single nucleotide variant.
Coding change: c.197C>T on transcript NM_000218.3 (MANE Select); coding-DNA position 197, C replaced by T.
Protein change: p.Ser66Phe; replaces serine 66 with phenylalanine.
Molecular consequence: missense variant.
Genome position (GRCh38, 1-based): chr11:2,445,295, C>T. VCF-style: chr11-2445295-C-T. GRCh37 (hg19) VCF-style: chr11-2466525-C-T.
Other names: c.197C>T (LRG_287t1); short protein forms S66F.
Identifiers: ClinVar variation 67063 (VCV000067063.11), dbSNP rs199473446, ClinGen allele CA006620.

ClinVar aggregate classification (germline): Uncertain significance. Review status: criteria provided, multiple submitters, no conflicts (2 of 4 stars). 4 submissions from 4 submitters: Uncertain significance (3). 1 of the submissions does not count toward it. Last evaluated 2025-12-03.

Conditions:
Cardiovascular phenotype. Identifiers: MedGen CN230736.
Familial long QT syndrome (RWS). Also called: Congenital long QT syndrome; Romano-Ward syndrome; VENTRICULAR FIBRILLATION WITH PROLONGED QT INTERVAL. Identifiers: Orphanet 768, MedGen C1141890, MONDO:0019171.
Long QT syndrome (LQTS). Identifiers: MedGen C0023976, MeSH D008133, MONDO:0002442. Disease mechanism: loss of function. Inheritance: Various modes of inheritance.

Allele frequency attached by ClinVar (database versions not stated): 1000 Genomes Project 0.00020; TOPMed 0.00003; ExAC below 0.00001.
gnomAD v4.1: 8 of 1,401,004 alleles (0.00057%); highest among the groups gnomAD compares: African/African-American, 0.0074%; no homozygotes.

Submissions (4):

Labcorp Genetics (formerly Invitae), Labcorp
Classification: Uncertain significance for Long QT syndrome. Last evaluated: 2025-12-03. Review status: criteria provided, single submitter. Criteria: Invitae Variant Classification Sherloc (09022015). Collection method: clinical testing. Allele origin: germline.
Comment: This sequence change replaces serine, which is neutral and polar, with phenylalanine, which is neutral and non-polar, at codon 66 of the KCNQ1 protein (p.Ser66Phe). This variant is not present in population databases (gnomAD no frequency). This missense change has been observed in individual(s) with clinical features of long QT syndrome (PMID: 19716085). ClinVar contains an entry for this variant (Variation ID: 67063). Invitae Evidence Modeling of protein sequence and biophysical properties (such as structural, functional, and spatial information, amino acid conservation, physicochemical variation, residue mobility, and thermodynamic stability) indicates that this missense variant is not expected to disrupt KCNQ1 protein function with a negative predictive value of 95%. Experimental studies have shown that this missense change affects KCNQ1 function (PMID: 34930020). In summary, the available evidence is currently insufficient to determine the role of this variant in disease. Therefore, it has been classified as a Variant of Uncertain Significance.

Blueprint Genetics
Classification: Uncertain significance. Last evaluated: 2024-02-16. Review status: criteria provided, single submitter. Criteria: ACMG Guidelines, 2015. Collection method: clinical testing. Allele origin: germline.

Ambry Genetics
Classification: Uncertain significance for Cardiovascular phenotype. Last evaluated: 2021-02-19. Review status: criteria provided, single submitter. Criteria: Ambry Variant Classification Scheme 2023. Collection method: clinical testing. Allele origin: germline.

Cardiovascular Biomedical Research Unit, Royal Brompton & Harefield NHS Foundation Trust
No classification provided. Condition: Familial long QT syndrome. Review status: no classification provided. Collection method: literature only. Allele origin: germline. Not counted in ClinVar's aggregate classification.
Comment: This variant has been reported as associated with Long QT syndrome in the following publications (PMID:19716085). This is a literature report, and does not necessarily reflect the clinical interpretation of the Imperial College / Royal Brompton Cardiovascular Genetics laboratory.

Literature cited by the submitters: PubMed 19716085 (cited by Labcorp Genetics (formerly Invitae), Labcorp and Cardiovascular Biomedical Research Unit, Royal Brompton & Harefield NHS Foundation Trust); PubMed 34930020 (cited by Labcorp Genetics (formerly Invitae), Labcorp); PubMed 22581653 (cited by Cardiovascular Biomedical Research Unit, Royal Brompton & Harefield NHS Foundation Trust).